The following is an entry in ClinVar:

ClinVar aggregate classification (germline): Uncertain significance (1 of 4 stars; one submission).

Conditions:
Hiatt-Neu-Cooper neurodevelopmental syndrome. Identifiers: MedGen C5543338, MONDO:0859142, OMIM 619311.

Allele frequency attached by ClinVar (database versions not stated): gnomAD 0.00001.

Submission:

Victorian Clinical Genetics Services, Murdoch Childrens Research Institute
Classification: Uncertain significance for Hiatt-Neu-Cooper neurodevelopmental syndrome. Last evaluated: 2023-07-17. Review status: criteria provided, single submitter. Criteria: ACMG Guidelines, 2015. Collection method: clinical testing. Allele origin: germline. Inheritance: Autosomal dominant inheritance. Affected: yes.
Comment: Based on the classification scheme VCGS_Germline_v1.3.4, this variant is classified as VUS-3C. Following criteria are met: 0102 - Loss of function is a known mechanism of disease in this gene and is associated with Hiatt-Neu-Cooper neurodevelopmental syndrome (MIM#619311). However, gain of function is also suspected (PMID: 30500825). (I) 0107 - This gene is associated with autosomal dominant disease. (I) 0200 - Variant is predicted to result in a missense amino acid change from glutamic acid to aspartic acid. (I) 0251 - This variant is heterozygous. (I) 0302 - Variant is present in gnomAD (v2, v3) <0.001 for a dominant condition (1 heterozygote, 0 homozygotes). (SP) 0503 - Missense variant consistently predicted to be tolerated by multiple in silico tools or not conserved in placental mammals with a minor amino acid change. (SB) 0600 - Variant is located in the annotated Ras domain (DECIPHER). (I) 0705 - No comparable missense variants have previous evidence for pathogenicity. (I) 0807 - This variant has no previous evidence of pathogenicity. (I) 0905 - No published segregation evidence has been identified for this variant. (I) 1007 - No published functional evidence has been identified for this variant. (I) 1208 - Inheritance information for this variant is not currently available in this individual. (I) Legend: (SP) - Supporting pathogenic, (I) - Information, (SB) - Supporting benign

Literature cited by the submitters: PubMed 30500825.

NM_005402.4(RALA):c.354G>T (p.Glu118Asp)

Gene: RALA (RAS like proto-oncogene A; plus strand). Cytogenetic location: 7p14.1.
Variant type: single nucleotide variant.
Coding change: c.354G>T on transcript NM_005402.4 (MANE Select); coding-DNA position 354, G replaced by T.
Protein change: p.Glu118Asp; replaces glutamic acid 118 with aspartic acid.
Molecular consequence: missense variant.
Genome position (GRCh38, 1-based): chr7:39,696,715, G>T. VCF-style: chr7-39696715-G-T. GRCh37 (hg19) VCF-style: chr7-39736314-G-T.
Other names: short protein forms E118D.
Identifiers: ClinVar variation 3254883 (VCV003254883.1), dbSNP rs1467908386.